The following is an entry in ClinVar:

NM_001011709.3(PNLIPRP3):c.1143T>G (p.Val381=)

Gene: PNLIPRP3 (pancreatic lipase related protein 3; plus strand). Cytogenetic location: 10q25.3.
Variant type: single nucleotide variant.
Coding change: c.1143T>G on transcript NM_001011709.3 (MANE Select); coding-DNA position 1143, T replaced by G.
Protein change: p.Val381=; no amino-acid change (valine 381 retained).
Molecular consequence: synonymous variant.
Genome position (GRCh38, 1-based): chr10:116,471,850, T>G. VCF-style: chr10-116471850-T-G. GRCh37 (hg19) VCF-style: chr10-118231362-T-G.
Identifiers: ClinVar variation 3389758 (VCV003389758.14).
Genomic context (GRCh38, chr10:116,471,850, plus strand): 5'-TAAACTCAGTGGAAGCGAAGTCACTCAAGGAACTGTCTTTCTTCGTGTAGGCGGGGCAGT[T>G]AGGAAAACTGGGGAGTTTGCCATTGTCAGGTAGGCAGAGTGAGAAACTGACGCTTTGCAC-3'
Protein context (NP_001011709.2, residues 371-391): GTVFLRVGGA[Val381=]RKTGEFAIVS

ClinVar aggregate classification (germline): Likely benign (1 of 4 stars; one submission).

Submission:

CeGaT Center for Human Genetics Tuebingen
Classification: Likely benign. Last evaluated: 2024-09-01. Review status: criteria provided, single submitter. Criteria: CeGaT Center For Human Genetics Tuebingen Variant Classification Criteria Version 2. Collection method: clinical testing. Allele origin: germline. Affected: yes. Observed: 1 variant allele.
Comment: PNLIPRP3: PM2:Supporting, BP4, BP7